The following is an entry in ClinVar:

NM_000264.5(PTCH1):c.290dup (p.Asn97fs)

Gene: PTCH1 (patched 1; minus strand). Cytogenetic location: 9q22.32.
Variant type: Duplication.
Coding change: c.290dup on transcript NM_000264.5 (MANE Select); coding-DNA position 290, one base duplicated (A; older notation c.290dupA).
Protein change: p.Asn97fs; shifts the reading frame from asparagine 97.
Molecular consequence: frameshift variant. On other transcripts: 5 prime UTR variant (4), non-coding transcript variant (1).
Genome position (GRCh38, 1-based): chr9:95,506,511, T duplicated on the plus strand (A on the coding strand, the reverse complement: PTCH1 is on the minus strand); the first of 7 consecutive T bases (chr9:95,506,511-95,506,517); duplicating any one gives the same sequence. VCF-style (leftmost placement, unchanged base first): chr9-95506510-G-GT. GRCh37 (hg19) VCF-style: chr9-98268792-G-GT.
Other names: c.92dup, p.Asn31fs (NM_001083602.3, NM_001354919.2); c.287dup, p.Asn96fs (NM_001083603.3); c.-164dup (NM_001083604.3, NM_001083605.3, NM_001083606.3 and 1 more transcripts); c.290dup, p.Asn97fs (NM_001354918.2); c.290dupA (NM_000264.3); short protein forms N31fs, N96fs, N97fs.
Identifiers: ClinVar variation 650991 (VCV000650991.50), dbSNP rs1554708751, ClinGen allele CA466103664.

ClinVar aggregate classification (germline): Pathogenic. Review status: criteria provided, multiple submitters, no conflicts (2 of 4 stars). 6 submissions from 6 submitters: Pathogenic (6). Last evaluated 2026-01-17.

Conditions:
Hereditary cancer-predisposing syndrome. Also called: Neoplastic Syndromes, Hereditary; Hereditary Cancer Syndrome; Tumor predisposition; Hereditary neoplastic syndrome. Identifiers: Orphanet 140162, MedGen C0027672, MeSH D009386, MONDO:0015356.
Gorlin syndrome. Also called: Nevoid Basal Cell Carcinoma Syndrome; Basal cell nevus syndrome. Identifiers: Orphanet 377, MedGen C0004779, MONDO:0007187.
PTCH1-related disorder. Also called: PTCH1-related disorders; PTCH1-related condition.

Submissions (6):

Labcorp Genetics (formerly Invitae), Labcorp
Classification: Pathogenic for Gorlin syndrome. Last evaluated: 2026-01-17. Review status: criteria provided, single submitter. Criteria: Invitae Variant Classification Sherloc (09022015). Collection method: clinical testing. Allele origin: germline.
Comment: This sequence change creates a premature translational stop signal (p.Asn97Lysfs*43) in the PTCH1 gene. It is expected to result in an absent or disrupted protein product. Loss-of-function variants in PTCH1 are known to be pathogenic (PMID: 16301862, 16419085). This variant is not present in population databases (gnomAD no frequency). This premature translational stop signal has been observed in individuals with basal cell nevus syndrome (BCNS), also known as Gorlin syndrome (PMID: 8981943, 22829011, 25117323). This variant is also known as Gorlin syndrome (PMID: 25117323, 22829011, 8981943). ClinVar contains an entry for this variant (Variation ID: 650991). For these reasons, this variant has been classified as Pathogenic.

Ambry Genetics
Classification: Pathogenic for Hereditary cancer-predisposing syndrome. Last evaluated: 2025-11-07. Review status: criteria provided, single submitter. Criteria: Ambry Variant Classification Scheme 2023. Collection method: clinical testing. Allele origin: germline.
Comment: The c.290dupA pathogenic mutation, located in coding exon 2 of the PTCH1 gene, results from a duplication of A at nucleotide position 290, causing a translational frameshift with a predicted alternate stop codon (p.N97Kfs*43). This variant was reported in individual(s) with features consistent with PTCH1-related nevoid basal cell carcinoma syndrome (Kijima C et al. Fam Cancer. 2012 Dec;11:565-70; Rodrigues AL et al. Genet Mol Res, 2014 Jul;13:5654-63; Dorsey JT et al. Oncol Lett. 2022 Sep;24:326). This variant is considered to be rare based on population cohorts in the Genome Aggregation Database (gnomAD). This alteration is expected to result in loss of function by premature protein truncation or nonsense-mediated mRNA decay. As such, this alteration is interpreted as a disease-causing mutation.

PreventionGenetics, part of Exact Sciences
Classification: Pathogenic for PTCH1-related condition. Last evaluated: 2024-10-24. Review status: criteria provided, single submitter. Criteria: ACMG Guidelines, 2015. Collection method: clinical testing. Allele origin: germline.
Comment: The PTCH1 c.290dupA variant is predicted to result in a frameshift and premature protein termination (p.Asn97Lysfs*43). This variant has been reported to be causative for nevoid basal cell carcinoma syndrome (Rodrigues et al. 2014. PubMed ID: 25117323). This variant has not been reported in gnomAD, indicating this variant is rare. This variant is interpreted as pathogenic in ClinVar. Frameshift variants in PTCH1 are expected to be pathogenic. This variant is interpreted as pathogenic.

Blueprint Genetics
Classification: Pathogenic for PTCH1-related disorders. Last evaluated: 2023-09-22. Review status: criteria provided, single submitter. Criteria: ACMG Guidelines, 2015. Collection method: clinical testing. Allele origin: germline. Affected: yes. Observed: 4 variant alleles.

Clinical Genetics Laboratory, Skane University Hospital Lund
Classification: Pathogenic. Last evaluated: 2022-07-13. Review status: criteria provided, single submitter. Criteria: ACMG Guidelines, 2015. Collection method: clinical testing. Allele origin: germline. Affected: yes.

CeGaT Center for Human Genetics Tuebingen
Classification: Pathogenic. Last evaluated: 2020-10-01. Review status: criteria provided, single submitter. Criteria: CeGaT Center For Human Genetics Tuebingen Variant Classification Criteria Version 2. Collection method: clinical testing. Allele origin: germline. Affected: yes. Observed: 1 variant allele.

Literature cited by the submitters: PubMed 16301862 (cited by Labcorp Genetics (formerly Invitae), Labcorp); PubMed 16419085 (cited by Labcorp Genetics (formerly Invitae), Labcorp); PubMed 8981943 (cited by Labcorp Genetics (formerly Invitae), Labcorp); PubMed 22829011 (cited by Labcorp Genetics (formerly Invitae), Labcorp and Ambry Genetics); PubMed 25117323 (cited by Labcorp Genetics (formerly Invitae), Labcorp and Ambry Genetics); PubMed 35949590 (cited by Ambry Genetics).